The following is an entry in ClinVar:

ClinVar aggregate classification (germline): Uncertain significance (1 of 4 stars; one submission).

Conditions:
Early-infantile DEE. Also called: Early infantile epileptic encephalopathy with suppression bursts; Early infantile epileptic encephalopathy; Ohtahara syndrome. Identifiers: Orphanet 1934, MedGen C0393706, MONDO:0800491.

Submission:

Labcorp Genetics (formerly Invitae), Labcorp
Classification: Uncertain significance for Early-infantile DEE. Last evaluated: 2021-09-15. Review status: criteria provided, single submitter. Criteria: Invitae Variant Classification Sherloc (09022015). Collection method: clinical testing. Allele origin: germline.
Comment: This sequence change replaces methionine with valine at codon 101 of the HCN1 protein (p.Met101Val). The methionine residue is moderately conserved and there is a small physicochemical difference between methionine and valine. This variant is not present in population databases (ExAC no frequency). This variant has not been reported in the literature in individuals affected with HCN1-related conditions. Advanced modeling of protein sequence and biophysical properties (such as structural, functional, and spatial information, amino acid conservation, physicochemical variation, residue mobility, and thermodynamic stability) performed at Invitae indicates that this missense variant is not expected to disrupt HCN1 protein function. In summary, the available evidence is currently insufficient to determine the role of this variant in disease. Therefore, it has been classified as a Variant of Uncertain Significance.

NM_021072.4(HCN1):c.301A>G (p.Met101Val)

Gene: HCN1 (hyperpolarization activated cyclic nucleotide gated potassium channel 1; minus strand). Cytogenetic location: 5p12.
Variant type: single nucleotide variant.
Coding change: c.301A>G on transcript NM_021072.4 (MANE Select); coding-DNA position 301, A replaced by G.
Protein change: p.Met101Val; replaces methionine 101 with valine.
Molecular consequence: missense variant.
Genome position (GRCh38, 1-based): chr5:45,695,793, T>C on the plus strand (A>G on the coding strand, the complement: HCN1 is on the minus strand). VCF-style: chr5-45695793-T-C. GRCh37 (hg19) VCF-style: chr5-45695895-T-C.
Other names: short protein forms M101V.
Identifiers: ClinVar variation 1380892 (VCV001380892.7), dbSNP rs1739996550, ClinGen allele CA359706328.